The following is an entry in ClinVar:

ClinVar aggregate classification (germline): Uncertain significance (1 of 4 stars; one submission).

Allele frequency attached by ClinVar (database versions not stated): gnomAD exomes 0.00001; TOPMed 0.00003; ExAC 0.00001; gnomAD 0.00003.
gnomAD v4.1: 13 of 1,613,542 alleles (0.00081%); highest among the groups gnomAD compares: Admixed American, 0.018%; no homozygotes.

Submission:

GeneDx
Classification: Uncertain significance. Last evaluated: 2023-03-15. Review status: criteria provided, single submitter. Criteria: GeneDx Variant Classification Process June 2021. Collection method: clinical testing. Allele origin: germline.
Comment: In silico analysis supports that this missense variant has a deleterious effect on protein structure/function; Has not been previously published as pathogenic or benign to our knowledge

NM_001349338.3(FOXP1):c.821A>G (p.His274Arg)

Gene: FOXP1 (forkhead box P1; minus strand). Cytogenetic location: 3p13.
Variant type: single nucleotide variant.
Coding change: c.821A>G on transcript NM_001349338.3 (MANE Select); coding-DNA position 821, A replaced by G.
Protein change: p.His274Arg; replaces histidine 274 with arginine.
Molecular consequence: missense variant. On other transcripts: non-coding transcript variant (2).
Genome position (GRCh38, 1-based): chr3:71,041,376, T>C on the plus strand (A>G on the coding strand, the complement: FOXP1 is on the minus strand). VCF-style: chr3-71041376-T-C. GRCh37 (hg19) VCF-style: chr3-71090527-T-C.
Other names: c.821A>G, p.His274Arg (NM_001244808.3, NM_001244810.2, NM_001244814.3 and 4 more transcripts); c.593A>G, p.His198Arg (NM_001244812.3); c.521A>G, p.His174Arg (NM_001244813.3, NM_001244815.2, NM_001349342.3 and 1 more transcripts); c.518A>G, p.His173Arg (NM_001349337.2, NM_001349343.3, NM_001349344.3); c.818A>G, p.His273Arg (NM_001349341.3); short protein forms H173R, H174R, H198R, H273R, H274R.
Identifiers: ClinVar variation 2413064 (VCV002413064.4), dbSNP rs779092116, ClinGen allele CA2491172.
Genomic context (GRCh38, chr3:71,041,376, plus strand): 5'-GCTGGTTCCTACCTTTCCCTTTTGGGAGTGTGGACTGAGAGCTGTCCATTGGTAGAGGCA[T>C]GTGGGTTCATTATTAAGGAGGTCTTGGAAGGTGCAGAGGAGGAGACACATGTCGTGGTCA-3'
Protein context (NP_001336267.1, residues 264-284): PSKTSLIMNP[His274Arg]ASTNGQLSVH